The following is an entry in ClinVar:

ClinVar aggregate classification (germline): Uncertain significance (1 of 4 stars; one submission).

gnomAD v4.1: 5 of 1,614,184 alleles (0.00031%); highest among the groups gnomAD compares: East Asian, 0.0045%; no homozygotes.

Submission:

Labcorp Genetics (formerly Invitae), Labcorp
Classification: Uncertain significance. Last evaluated: 2025-02-26. Review status: criteria provided, single submitter. Criteria: Invitae Variant Classification Sherloc (09022015). Collection method: clinical testing. Allele origin: germline.
Comment: This sequence change replaces histidine, which is basic and polar, with arginine, which is basic and polar, at codon 169 of the FAM111A protein (p.His169Arg). This variant is present in population databases (rs752213332, gnomAD 0.01%). This variant has not been reported in the literature in individuals affected with FAM111A-related conditions. Invitae Evidence Modeling of protein sequence and biophysical properties (such as structural, functional, and spatial information, amino acid conservation, physicochemical variation, residue mobility, and thermodynamic stability) indicates that this missense variant is not expected to disrupt FAM111A protein function with a negative predictive value of 80%. In summary, the available evidence is currently insufficient to determine the role of this variant in disease. Therefore, it has been classified as a Variant of Uncertain Significance.

NM_001312909.2(FAM111A):c.506A>G (p.His169Arg)

Gene: FAM111A (FAM111 trypsin like peptidase A; plus strand). Cytogenetic location: 11q12.1.
Variant type: single nucleotide variant.
Coding change: c.506A>G on transcript NM_001312909.2 (MANE Select); coding-DNA position 506, A replaced by G.
Protein change: p.His169Arg; replaces histidine 169 with arginine.
Molecular consequence: missense variant.
Genome position (GRCh38, 1-based): chr11:59,152,174, A>G. VCF-style: chr11-59152174-A-G. GRCh37 (hg19) VCF-style: chr11-58919647-A-G.
Other names: c.506A>G, p.His169Arg (NM_001142519.3, NM_001142520.3, NM_001142521.3 and 29 more transcripts); short protein forms H169R.
Identifiers: ClinVar variation 4698037 (VCV004698037.1).